The following is an entry in ClinVar:

ClinVar aggregate classification (germline): Uncertain significance (1 of 4 stars; one submission).

Allele frequency attached by ClinVar (database versions not stated): gnomAD 0.00001; TOPMed 0.00001.
gnomAD v4.1: 43 of 1,551,278 alleles (0.0028%); highest among the groups gnomAD compares: Non-Finnish European, 0.0037%; no homozygotes.

Submission:

Women's Health and Genetics/Laboratory Corporation of America, LabCorp
Classification: Uncertain significance. Last evaluated: 2023-03-03. Review status: criteria provided, single submitter. Criteria: LabCorp Variant Classification Summary - May 2015. Collection method: clinical testing. Allele origin: germline.
Comment: Variant summary: TUBGCP2 c.908+1G>C is located in a canonical splice-site and is predicted to affect mRNA splicing resulting in a significantly altered protein due to either exon skipping, shortening, or inclusion of intronic material. Several computational tools predict a significant impact on normal splicing: Four predict the variant abolishes a 5' splicing donor site. However, these predictions have yet to be confirmed by functional studies. The variant was absent in 155618 control chromosomes. The available data on variant occurrences in the general population are insufficient to allow any conclusion about variant significance. To our knowledge, no occurrence of c.908+1G>C in individuals affected with Pachygyria, Microcephaly, Developmental Delay, And Dysmorphic Facies, With Or Without Seizures and no experimental evidence demonstrating its impact on protein function have been reported. No clinical diagnostic laboratories have submitted clinical-significance assessments for this variant to ClinVar after 2014. Based on the evidence outlined above, and the fact that there is not enough evidence to establish loss-of-function as a mechanism of disease for this gene, the variant was classified as uncertain significance.

NM_006659.4(TUBGCP2):c.824+1G>C

Genes: TUBGCP2 (tubulin gamma complex component 2; minus strand), LOC126861106 (P300/CBP strongly-dependent group 1 enhancer GRCh37_chr10:135106330-135107529; plus strand). Cytogenetic location: 10q26.3.
Variant type: single nucleotide variant.
Coding change: c.824+1G>C on transcript NM_006659.4 (MANE Select); the canonical splice donor site of the intron after coding-DNA position 824, G replaced by C.
Molecular consequence: splice donor variant.
Genome position (GRCh38, 1-based): chr10:133,293,561, C>G on the plus strand (G>C on the coding strand, the complement: TUBGCP2 is on the minus strand). VCF-style: chr10-133293561-C-G. GRCh37 (hg19) VCF-style: chr10-135107065-C-G.
Other names: c.434+1G>C (NM_001256618.2); c.908+1G>C (NM_001256617.2).
Identifiers: ClinVar variation 2501114 (VCV002501114.1), dbSNP rs1360074402, ClinGen allele CA378829740.